The following is an entry in ClinVar:

NM_001364905.1(LRBA):c.6226G>A (p.Val2076Met)

Gene: LRBA (LPS responsive beige-like anchor protein; minus strand). Cytogenetic location: 4q31.3.
Variant type: single nucleotide variant.
Coding change: c.6226G>A on transcript NM_001364905.1 (MANE Select); coding-DNA position 6226, G replaced by A.
Protein change: p.Val2076Met; replaces valine 2076 with methionine.
Molecular consequence: missense variant.
Genome position (GRCh38, 1-based): chr4:150,588,152, C>T on the plus strand (G>A on the coding strand, the complement: LRBA is on the minus strand). VCF-style: chr4-150588152-C-T. GRCh37 (hg19) VCF-style: chr4-151509304-C-T.
Other names: c.6226G>A, p.Val2076Met (NM_001199282.3, NM_001367550.1); c.6259G>A, p.Val2087Met (NM_006726.5); short protein forms V2087M, V2076M.
Identifiers: ClinVar variation 848160 (VCV000848160.10), dbSNP rs151337867, ClinGen allele CA3102171.

ClinVar aggregate classification (germline): Uncertain significance. Review status: criteria provided, multiple submitters, no conflicts (2 of 4 stars). 3 submissions from 3 submitters: Uncertain significance (3). Last evaluated 2025-08-05.

Conditions:
Inborn genetic diseases. Identifiers: MedGen C0950123, MeSH D030342.
Combined immunodeficiency due to LRBA deficiency. Also called: Common variable immunodeficiency 8, with autoimmunity. Identifiers: Orphanet 445018, MedGen C3553512, MONDO:0013863, OMIM 614700.

Allele frequency attached by ClinVar (database versions not stated): ExAC 0.00004; gnomAD exomes 0.00004 and 0.00013; gnomAD 0.00005 and 0.00006; TOPMed 0.00005; ESP Exome Variant Server 0.00015.
gnomAD v4.1: 196 of 1,611,022 alleles (0.012%); highest among the groups gnomAD compares: Non-Finnish European, 0.016%; no homozygotes.

Submissions (3):

Ambry Genetics
Classification: Uncertain significance for Inborn genetic diseases. Last evaluated: 2025-08-05. Review status: criteria provided, single submitter. Criteria: Ambry Variant Classification Scheme 2023. Collection method: clinical testing. Allele origin: germline.

Labcorp Genetics (formerly Invitae), Labcorp
Classification: Uncertain significance for Combined immunodeficiency due to LRBA deficiency. Last evaluated: 2024-10-16. Review status: criteria provided, single submitter. Criteria: Invitae Variant Classification Sherloc (09022015). Collection method: clinical testing. Allele origin: germline.
Comment: This sequence change replaces valine, which is neutral and non-polar, with methionine, which is neutral and non-polar, at codon 2087 of the LRBA protein (p.Val2087Met). This variant is present in population databases (rs151337867, gnomAD 0.01%). This variant has not been reported in the literature in individuals affected with LRBA-related conditions. ClinVar contains an entry for this variant (Variation ID: 848160). Invitae Evidence Modeling of protein sequence and biophysical properties (such as structural, functional, and spatial information, amino acid conservation, physicochemical variation, residue mobility, and thermodynamic stability) indicates that this missense variant is not expected to disrupt LRBA protein function with a negative predictive value of 80%. In summary, the available evidence is currently insufficient to determine the role of this variant in disease. Therefore, it has been classified as a Variant of Uncertain Significance.

Blueprint Genetics
Classification: Uncertain significance. Last evaluated: 2024-05-03. Review status: criteria provided, single submitter. Criteria: ACMG Guidelines, 2015. Collection method: clinical testing. Allele origin: germline.